The following is an entry in ClinVar:

ClinVar aggregate classification (germline): Uncertain significance (1 of 4 stars; one submission).

Submission:

ISCA site 4
Classification: Uncertain significance. Last evaluated: 2011-08-12. Review status: criteria provided, single submitter. Criteria: Kaminsky et al. (Genet Med. 2011). Collection method: clinical testing. Allele origin: unknown. Affected: yes. Observed: 1 variant allele.
Comment: Copy number variation identified through the course of routine clinical cytogenomic testing in postnatal populations. Clinical assertions have been curated as described in Kaminsky et al. 2011.

GRCh38/hg38 4p15.1(chr4:31865930-32718427)x1

Genes: LINC02353 (long intergenic non-protein coding RNA 2353; plus strand), LINC02506 (long intergenic non-protein coding RNA 2506; plus strand), LOC105377651 (uncharacterized LOC105377651; minus strand), LOC132089124 (Neanderthal introgressed variant-containing enhancer experimental_78431; plus strand), LOC132089125 (Neanderthal introgressed variant-containing enhancer experimental_78443; plus strand). Cytogenetic location: 4p15.1.
Variant type: copy number loss.
Change: copy number 1 (one copy instead of two) of chr4:31,865,930-32,718,427 (852.5 kb, GRCh38 coordinates, 1-based), cytogenetic band 4p15.1.
Identifiers: ClinVar variation 57016 (VCV000057016.1).